The following is an entry in ClinVar:

ClinVar aggregate classification (germline): Uncertain significance (1 of 4 stars; one submission).

Submission:

CeGaT Center for Human Genetics Tuebingen
Classification: Uncertain significance. Last evaluated: 2024-10-01. Review status: criteria provided, single submitter. Criteria: CeGaT Center For Human Genetics Tuebingen Variant Classification Criteria Version 2. Collection method: clinical testing. Allele origin: germline. Affected: yes. Observed: 1 variant allele.
Comment: DLG5: PM2

NM_004747.4(DLG5):c.2362del (p.Ser787_Leu788insTer)

Gene: DLG5 (discs large MAGUK scaffold protein 5; minus strand). Cytogenetic location: 10q22.3.
Variant type: Deletion.
Coding change: c.2362del on transcript NM_004747.4 (MANE Select); coding-DNA position 2362, one base deleted (C; older notation c.2362delC).
Protein change: p.Ser787_Leu788insTer.
Molecular consequence: nonsense.
Genome position (GRCh38, 1-based): chr10:77,824,404, G deleted on the plus strand (C on the coding strand, the reverse complement: DLG5 is on the minus strand); the first of 3 consecutive G bases (chr10:77,824,404-77,824,406); deleting any one gives the same sequence. VCF-style (leftmost placement, unchanged base first): chr10-77824403-AG-A. GRCh37 (hg19) VCF-style: chr10-79584161-AG-A.
Identifiers: ClinVar variation 3389813 (VCV003389813.14).